The following is an entry in ClinVar:

ClinVar aggregate classification (germline): Uncertain significance (1 of 4 stars; one submission).

Allele frequency attached by ClinVar (database versions not stated): gnomAD exomes 0.00001; TOPMed 0.00003; ESP Exome Variant Server 0.00008.
gnomAD v4.1: 24 of 1,613,734 alleles (0.0015%); highest among the groups gnomAD compares: East Asian, 0.022%; no homozygotes.

Submission:

Labcorp Genetics (formerly Invitae), Labcorp
Classification: Uncertain significance. Last evaluated: 2022-12-06. Review status: criteria provided, single submitter. Criteria: Invitae Variant Classification Sherloc (09022015). Collection method: clinical testing. Allele origin: germline.
Comment: In summary, the available evidence is currently insufficient to determine the role of this variant in disease. Therefore, it has been classified as a Variant of Uncertain Significance. This sequence change replaces proline, which is neutral and non-polar, with serine, which is neutral and polar, at codon 882 of the FAT1 protein (p.Pro882Ser). This variant is present in population databases (rs374939601, gnomAD 0.08%). This variant has not been reported in the literature in individuals affected with FAT1-related conditions. Advanced modeling of protein sequence and biophysical properties (such as structural, functional, and spatial information, amino acid conservation, physicochemical variation, residue mobility, and thermodynamic stability) performed at Invitae indicates that this missense variant is not expected to disrupt FAT1 protein function.

NM_005245.4(FAT1):c.2644C>T (p.Pro882Ser)

Gene: FAT1 (FAT atypical cadherin 1; minus strand). Cytogenetic location: 4q35.2.
Variant type: single nucleotide variant.
Coding change: c.2644C>T on transcript NM_005245.4 (MANE Select); coding-DNA position 2644, C replaced by T.
Protein change: p.Pro882Ser; replaces proline 882 with serine.
Molecular consequence: missense variant.
Genome position (GRCh38, 1-based): chr4:186,707,184, G>A on the plus strand (C>T on the coding strand, the complement: FAT1 is on the minus strand). VCF-style: chr4-186707184-G-A. GRCh37 (hg19) VCF-style: chr4-187628338-G-A.
Other names: short protein forms P882S.
Identifiers: ClinVar variation 1931911 (VCV001931911.4), dbSNP rs374939601, ClinGen allele CA3167215.
Genomic context (GRCh38, chr4:186,707,184, plus strand): 5'-TGGCTTGGTCCCTGGCCTCAATCTTTAAGGAGTGCTCATGCTGCAGCTCTCGATCCAGAG[G>A]GCGTGCGATGTTAACAACACCCGTCACGCTGTCAATTGAAAATGTGTCTGTGTCTGTAAC-3'
Protein context (NP_005236.2, residues 872-892): SVTGVVNIAR[Pro882Ser]LDRELQHEHS